The following is an entry in ClinVar:

ClinVar aggregate classification (germline): Pathogenic (1 of 4 stars; one submission).

Conditions:
Peroxisome biogenesis disorder. Identifiers: Orphanet 79189, MedGen C1832200, MONDO:0019234. Disease mechanism: loss of function.

Submission:

Labcorp Genetics (formerly Invitae), Labcorp
Classification: Pathogenic for Peroxisome biogenesis disorder. Last evaluated: 2022-08-29. Review status: criteria provided, single submitter. Criteria: Invitae Variant Classification Sherloc (09022015). Collection method: clinical testing. Allele origin: germline.
Comment: A gross deletion of the genomic region encompassing the full coding sequence of the PEX6 gene has been identified. Loss-of-function variants in PEX6 are known to be pathogenic (PMID: 8670792, 19877282, 21031596). The boundaries of this event are unknown as they extend beyond the assayed region for this gene and therefore may encompass additional genes. This variant has not been reported in the literature in individuals affected with PEX6-related conditions. For these reasons, this variant has been classified as Pathogenic.

Literature cited by the submitters: PubMed 8670792; PubMed 19877282; PubMed 21031596.

NC_000006.11:g.(?_41126341)_(43752536_?)del

Genes: MEA1 (male-enhanced antigen 1; minus strand), ZNF318 (zinc finger protein 318; minus strand), CUL7 (cullin 7; minus strand), RPL7L1 (ribosomal protein L7 like 1; plus strand), TBCC (tubulin folding cofactor C; minus strand) and 55 more. Cytogenetic location: 6p21.1.
Variant type: Deletion.
Identifiers: ClinVar variation 2422814 (VCV002422814.7).